The following is an entry in ClinVar:

ClinVar aggregate classification (germline): Uncertain significance (1 of 4 stars; one submission).

Conditions:
GM1 gangliosidosis. Identifiers: Orphanet 354, MedGen C0085131, MONDO:0018149.
Mucopolysaccharidosis, MPS-IV-B (MPS4B). Also called: Mucopolysaccharidosis type IV B; Mucopolysaccharidosis type 4B; MORQUIO SYNDROME B; Mucopolysaccharidosis type IVB (Morquio); MPS IVB; Mucopolysaccharidosis Type IVB. Identifiers: Orphanet 309310, Orphanet 582, MedGen C0086652, MONDO:0009660, OMIM 253010.

Submission:

Labcorp Genetics (formerly Invitae), Labcorp
Classification: Uncertain significance for Mucopolysaccharidosis, MPS-IV-B; GM1 gangliosidosis. Last evaluated: 2022-06-04. Review status: criteria provided, single submitter. Criteria: Invitae Variant Classification Sherloc (09022015). Collection method: clinical testing. Allele origin: germline.
Comment: In summary, the available evidence is currently insufficient to determine the role of this variant in disease. Therefore, it has been classified as a Variant of Uncertain Significance. Advanced modeling of protein sequence and biophysical properties (such as structural, functional, and spatial information, amino acid conservation, physicochemical variation, residue mobility, and thermodynamic stability) performed at Invitae indicates that this missense variant is not expected to disrupt GLB1 protein function. This variant has not been reported in the literature in individuals affected with GLB1-related conditions. This variant is not present in population databases (gnomAD no frequency). This sequence change replaces alanine, which is neutral and non-polar, with serine, which is neutral and polar, at codon 635 of the GLB1 protein (p.Ala635Ser).

NM_000404.4(GLB1):c.1903G>T (p.Ala635Ser)

Gene: GLB1 (galactosidase beta 1; minus strand). Cytogenetic location: 3p22.3.
Variant type: single nucleotide variant.
Coding change: c.1903G>T on transcript NM_000404.4 (MANE Select); coding-DNA position 1903, G replaced by T.
Protein change: p.Ala635Ser; replaces alanine 635 with serine.
Molecular consequence: missense variant. On other transcripts: intron variant (1).
Genome position (GRCh38, 1-based): chr3:32,997,176, C>A on the plus strand (G>T on the coding strand, the complement: GLB1 is on the minus strand). VCF-style: chr3-32997176-C-A. GRCh37 (hg19) VCF-style: chr3-33038668-C-A.
Other names: c.1813G>T, p.Ala605Ser (NM_001079811.3); c.1510G>T, p.Ala504Ser (NM_001135602.3); c.2047G>T, p.Ala683Ser (NM_001317040.2); c.1734+16880G>T (NM_001393580.1); short protein forms A504S, A635S, A605S, A683S.
Identifiers: ClinVar variation 1974200 (VCV001974200.3), dbSNP rs1553604701, ClinGen allele CA352000325.